The following is an entry in ClinVar:

NM_000536.4(RAG2):c.122G>A (p.Cys41Tyr)

Gene: RAG2 (recombination activating 2; minus strand). Cytogenetic location: 11p12.
Variant type: single nucleotide variant.
Coding change: c.122G>A on transcript NM_000536.4 (MANE Select); coding-DNA position 122, G replaced by A.
Protein change: p.Cys41Tyr; replaces cysteine 41 with tyrosine.
Molecular consequence: missense variant.
Genome position (GRCh38, 1-based): chr11:36,594,047, C>T on the plus strand (G>A on the coding strand, the complement: RAG2 is on the minus strand). VCF-style: chr11-36594047-C-T. GRCh37 (hg19) VCF-style: chr11-36615597-C-T.
Other names: c.122G>A, p.Cys41Tyr (NM_001243785.2, NM_001243786.2); short protein forms C41Y.
Identifiers: ClinVar variation 1904003 (VCV001904003.5), dbSNP rs2494799758, ClinGen allele CA380144546.
Genomic context (GRCh38, chr11:36,594,047, plus strand): 5'-ATTGTAGGCTTCAGTTTGACATGGTTATGCTTTACATCCAGATGGAAAACTCCAGTGGGG[C>T]AGGATCTTTTGGGCCAGCCTTTTTGTCCAAAGAAGAAAACTTGTCCATCAAAATTCATCA-3'
Protein context (NP_000527.2, residues 31-51): FGQKGWPKRS[Cys41Tyr]PTGVFHLDVK

ClinVar aggregate classification (germline): Likely pathogenic (1 of 4 stars; one submission).

Conditions:
Severe combined immunodeficiency, autosomal recessive, T cell-negative, B cell-negative, NK cell-positive. Also called: SCID, AR, T-cell negative, B-cell negative, NK cell-positive; SCID, T CELL-NEGATIVE, B CELL-NEGATIVE, NK CELL-POSITIVE; Severe combined immunodeficiency due to complete RAG1/2 deficiency. Identifiers: Orphanet 331206, MedGen C1832322, MONDO:0011086, OMIM 601457.
Combined immunodeficiency with skin granulomas. Identifiers: Orphanet 157949, MedGen C2673536, MONDO:0009306, OMIM 233650.

Allele frequency attached by ClinVar (database versions not stated): gnomAD exomes below 0.00001.
gnomAD v4.1: 1 of 1,614,122 alleles (0.000062%); highest among the groups gnomAD compares: Non-Finnish European, 0.000085%; no homozygotes.

Submission:

Labcorp Genetics (formerly Invitae), Labcorp
Classification: Likely pathogenic for Combined immunodeficiency with skin granulomas; Severe combined immunodeficiency, autosomal recessive, T cell-negative, B cell-negative, NK cell-positive. Last evaluated: 2022-08-08. Review status: criteria provided, single submitter. Criteria: Invitae Variant Classification Sherloc (09022015). Collection method: clinical testing. Allele origin: germline.
Comment: This variant is not present in population databases (gnomAD no frequency). This sequence change replaces cysteine, which is neutral and slightly polar, with tyrosine, which is neutral and polar, at codon 41 of the RAG2 protein (p.Cys41Tyr). This variant has not been reported in the literature in individuals affected with RAG2-related conditions. In summary, the currently available evidence indicates that the variant is pathogenic, but additional data are needed to prove that conclusively. Therefore, this variant has been classified as Likely Pathogenic. This variant disrupts the p.Cys41 amino acid residue in RAG2. Other variant(s) that disrupt this residue have been determined to be pathogenic (PMID: 9630231, 28769923, 29772310). This suggests that this residue is clinically significant, and that variants that disrupt this residue are likely to be disease-causing. Advanced modeling of protein sequence and biophysical properties (such as structural, functional, and spatial information, amino acid conservation, physicochemical variation, residue mobility, and thermodynamic stability) performed at Invitae indicates that this missense variant is expected to disrupt RAG2 protein function.

Literature cited by the submitters: PubMed 9630231; PubMed 28769923; PubMed 29772310.